The following is an entry in ClinVar:

ClinVar aggregate classification (germline): Uncertain significance. Review status: criteria provided, multiple submitters, no conflicts (2 of 4 stars). 3 submissions from 3 submitters: Uncertain significance (3). Last evaluated 2025-09-18.

Conditions:
Arrhythmogenic cardiomyopathy with wooly hair and keratoderma. Also called: PALMOPLANTAR KERATODERMA WITH LEFT VENTRICULAR CARDIOMYOPATHY AND WOOLLY HAIR; Carvajal syndrome; Dilated cardiomyopathy with woolly hair and keratoderma; Arrhythmogenic cardiomyopathy with woolly hair and keratoderma. Identifiers: Orphanet 65282, MedGen C1854063, MONDO:0011581, OMIM 605676.
Arrhythmogenic right ventricular dysplasia 8 (ARVD8). Also called: ARRHYTHMOGENIC RIGHT VENTRICULAR DYSPLASIA, FAMILIAL, 8; ARRHYTHMOGENIC RIGHT VENTRICULAR CARDIOMYOPATHY 8; Arrhythmogenic Right Ventricular Dysplasia/Cardiomyopathy 8. Identifiers: MedGen C1843896, MONDO:0011831, OMIM 607450.
Cardiovascular phenotype. Identifiers: MedGen CN230736.
Cardiomyopathy (CMYO). Also called: Cardiomyopathies. Identifiers: Orphanet 167848, MedGen C0878544, MONDO:0004994, HP:0001638. Inheritance: Various modes of inheritance.

gnomAD v4.1: 3 of 1,613,912 alleles (0.00019%); highest among the groups gnomAD compares: Admixed American, 0.005%; no homozygotes.

Submissions (3):

Color Diagnostics, LLC DBA Color Health
Classification: Uncertain significance for Cardiomyopathy. Last evaluated: 2025-09-18. Review status: criteria provided, single submitter. Criteria: ACMG Guidelines, 2015. Collection method: clinical testing. Allele origin: germline.
Comment: This missense variant replaces alanine with valine at codon 2150 of the DSP protein. Computational prediction suggests that this variant may not impact protein structure and function. To our knowledge, functional studies have not been reported for this variant. This variant has not been reported in individuals affected with DSP-related disorders in the literature. This variant has not been identified in the general population by the Genome Aggregation Database (gnomAD). The available evidence is insufficient to determine the role of this variant in disease conclusively. Therefore, this variant is classified as a Variant of Uncertain Significance.

Labcorp Genetics (formerly Invitae), Labcorp
Classification: Uncertain significance for Arrhythmogenic cardiomyopathy with wooly hair and keratoderma; Arrhythmogenic right ventricular dysplasia 8. Last evaluated: 2025-07-09. Review status: criteria provided, single submitter. Criteria: Invitae Variant Classification Sherloc (09022015). Collection method: clinical testing. Allele origin: germline.
Comment: This sequence change replaces alanine, which is neutral and non-polar, with valine, which is neutral and non-polar, at codon 2150 of the DSP protein (p.Ala2150Val). This variant is not present in population databases (gnomAD no frequency). This variant has not been reported in the literature in individuals affected with DSP-related conditions. ClinVar contains an entry for this variant (Variation ID: 2453264). An algorithm developed to predict the effect of missense changes on protein structure and function (PolyPhen-2) suggests that this variant is likely to be disruptive. In summary, the available evidence is currently insufficient to determine the role of this variant in disease. Therefore, it has been classified as a Variant of Uncertain Significance.

Ambry Genetics
Classification: Uncertain significance for Cardiovascular phenotype. Last evaluated: 2025-07-01. Review status: criteria provided, single submitter. Criteria: Ambry Variant Classification Scheme 2023. Collection method: clinical testing. Allele origin: germline.
Comment: The p.A2150V variant (also known as c.6449C>T), located in coding exon 24 of the DSP gene, results from a C to T substitution at nucleotide position 6449. The alanine at codon 2150 is replaced by valine, an amino acid with similar properties. This amino acid position is conserved. In addition, this alteration is predicted to be tolerated by in silico analysis. Since supporting evidence is limited at this time, the clinical significance of this alteration remains unclear.

NM_004415.4(DSP):c.6449C>T (p.Ala2150Val)

Gene: DSP (desmoplakin; plus strand). Cytogenetic location: 6p24.3.
Variant type: single nucleotide variant.
Coding change: c.6449C>T on transcript NM_004415.4 (MANE Select); coding-DNA position 6449, C replaced by T.
Protein change: p.Ala2150Val; replaces alanine 2150 with valine.
Molecular consequence: missense variant.
Genome position (GRCh38, 1-based): chr6:7,583,711, C>T. VCF-style: chr6-7583711-C-T. GRCh37 (hg19) VCF-style: chr6-7583944-C-T.
Other names: c.4652C>T, p.Ala1551Val (NM_001008844.3); c.5120C>T, p.Ala1707Val (NM_001319034.2); short protein forms A1551V, A1707V, A2150V.
Identifiers: ClinVar variation 2453264 (VCV002453264.5), dbSNP rs1487798502, ClinGen allele CA362690821.